The following is an entry in ClinVar:

ClinVar aggregate classification (germline): Likely benign. Review status: criteria provided, multiple submitters, no conflicts (2 of 4 stars). 5 submissions from 5 submitters: Likely benign (4). 1 of the submissions does not count toward it. Last evaluated 2026-01-12.

Conditions:
RNF13-related disorder. Also called: RNF13-related condition.

Allele frequency attached by ClinVar (database versions not stated): 1000 Genomes Project 30x 0.00016; 1000 Genomes Project 0.00020; gnomAD 0.00024; TOPMed 0.00025; ExAC 0.00027; gnomAD exomes 0.00028 and 0.00031; ESP Exome Variant Server 0.00039.
gnomAD v4.1: 406 of 1,296,098 alleles (0.031%); highest among the groups gnomAD compares: Middle Eastern, 0.74%; 2 homozygotes.

Submissions (5):

Labcorp Genetics (formerly Invitae), Labcorp
Classification: Likely benign. Last evaluated: 2026-01-12. Review status: criteria provided, single submitter. Criteria: Invitae Variant Classification Sherloc (09022015). Collection method: clinical testing. Allele origin: germline.

Blueprint Genetics
Classification: Likely benign. Last evaluated: 2024-11-19. Review status: criteria provided, single submitter. Criteria: ACMG Guidelines, 2015. Collection method: clinical testing. Allele origin: germline.

CeGaT Center for Human Genetics Tuebingen
Classification: Likely benign. Last evaluated: 2024-07-01. Review status: criteria provided, single submitter. Criteria: CeGaT Center For Human Genetics Tuebingen Variant Classification Criteria Version 2. Collection method: clinical testing. Allele origin: germline. Affected: yes. Observed: 1 variant allele.
Comment: RNF13: BP4, BS1

Breakthrough Genomics
Classification: Likely benign. Review status: criteria provided, single submitter. Criteria: ACMG Guidelines, 2015. Collection method: not provided. Allele origin: germline. Inheritance: Autosomal dominant inheritance. Affected: yes.

PreventionGenetics, part of Exact Sciences
Classification: Likely benign for RNF13-related condition. Last evaluated: 2019-06-21. Review status: no assertion criteria provided. Collection method: clinical testing. Allele origin: germline. Not counted in ClinVar's aggregate classification.
Comment: This variant is classified as likely benign based on ACMG/AMP sequence variant interpretation guidelines (Richards et al. 2015 PMID: 25741868, with internal and published modifications).

NM_183381.3(RNF13):c.700+7A>G

Gene: RNF13 (ring finger protein 13; plus strand). Cytogenetic location: 3q25.1.
Variant type: single nucleotide variant.
Coding change: c.700+7A>G on transcript NM_183381.3 (MANE Select); 7 bases into the intron after coding-DNA position 700, A replaced by G.
Molecular consequence: intron variant.
Genome position (GRCh38, 1-based): chr3:149,921,234, A>G. VCF-style: chr3-149921234-A-G. GRCh37 (hg19) VCF-style: chr3-149639021-A-G.
Other names: c.700+7A>G (NM_007282.4, NM_001378286.1, NM_001378285.1 and 1 more transcripts); c.343+7A>G (NM_183383.2, NM_001378288.1, NM_001378289.1 and 2 more transcripts); c.307+7A>G (NM_001378291.1).
Identifiers: ClinVar variation 1630967 (VCV001630967.28), dbSNP rs193248526, ClinGen allele CA2663071.